The following is an entry in ClinVar:

NM_005733.3(KIF20A):c.913T>C (p.Phe305Leu)

Gene: KIF20A (kinesin family member 20A; plus strand). Cytogenetic location: 5q31.2.
Variant type: single nucleotide variant.
Coding change: c.913T>C on transcript NM_005733.3 (MANE Select); coding-DNA position 913, T replaced by C.
Protein change: p.Phe305Leu; replaces phenylalanine 305 with leucine.
Molecular consequence: missense variant.
Genome position (GRCh38, 1-based): chr5:138,183,249, T>C. VCF-style: chr5-138183249-T-C. GRCh37 (hg19) VCF-style: chr5-137518938-T-C.
Other names: short protein forms F305L.
Identifiers: ClinVar variation 4761491 (VCV004761491.1).

ClinVar aggregate classification (germline): Uncertain significance (1 of 4 stars; one submission).

Submission:

Labcorp Genetics (formerly Invitae), Labcorp
Classification: Uncertain significance. Last evaluated: 2026-01-28. Review status: criteria provided, single submitter. Criteria: Invitae Variant Classification Sherloc (09022015). Collection method: clinical testing. Allele origin: germline.
Comment: This sequence change replaces phenylalanine, which is neutral and non-polar, with leucine, which is neutral and non-polar, at codon 305 of the KIF20A protein (p.Phe305Leu). This variant is present in population databases (rs372432130, gnomAD 0.007%). This variant has not been reported in the literature in individuals affected with KIF20A-related conditions. An algorithm developed to predict the effect of missense changes on protein structure and function (PolyPhen-2) suggests that this variant is likely to be disruptive. In summary, the available evidence is currently insufficient to determine the role of this variant in disease. Therefore, it has been classified as a Variant of Uncertain Significance.